The following is an entry in ClinVar:

ClinVar aggregate classification (germline): Likely pathogenic (1 of 4 stars; one submission).

Conditions:
Autosomal recessive polycystic kidney disease (ARPKD). Also called: AR polycystic kidney disease. Identifiers: Orphanet 731, Orphanet 8378, MedGen C0085548, MeSH D017044, MONDO:0009889.

Submission:

Natera, Inc.
Classification: Likely pathogenic for Autosomal recessive polycystic kidney disease. Last evaluated: 2025-08-01. Review status: criteria provided, single submitter. Criteria: Natera Variant Classification Schema (03/2026). Collection method: clinical testing. Allele origin: germline.
Comment: The c.9058del variant in PKHD1 is a frameshift variant predicted to shift the reading frame beginning at codon 3020 and leads to a stop codon 19 codons downstream. This variant is expected to result in nonsense mediated decay, truncation, or a dysfunctional protein product. This variant is rare in the general population with a frequency below the threshold expected for the associated phenotype(s). Given the available evidence, this variant is classified as Likely Pathogenic.

NM_138694.4(PKHD1):c.9058del (p.Leu3020fs)

Gene: PKHD1 (PKHD1 ciliary IPT domain containing fibrocystin/polyductin; minus strand). Cytogenetic location: 6p12.3.
Variant type: Deletion.
Coding change: c.9058del on transcript NM_138694.4 (MANE Select); coding-DNA position 9058, one base deleted (C; older notation c.9058delC).
Protein change: p.Leu3020fs; shifts the reading frame from leucine 3020.
Molecular consequence: frameshift variant.
Genome position (GRCh38, 1-based): chr6:51,748,558, G deleted on the plus strand (C on the coding strand, the reverse complement: PKHD1 is on the minus strand). VCF-style (leftmost placement, unchanged base first): chr6-51748557-AG-A. GRCh37 (hg19) VCF-style: chr6-51613355-AG-A.
Other names: c.9058del, p.Leu3020fs (NM_170724.3); short protein forms L3020fs.
Identifiers: ClinVar variation 4816790 (VCV004816790.1).